The following is an entry in ClinVar:

ClinVar aggregate classification (germline): Uncertain significance. Review status: criteria provided, multiple submitters, no conflicts (2 of 4 stars). 2 submissions from 2 submitters: Uncertain significance (2). Last evaluated 2025-06-16.

Allele frequency attached by ClinVar (database versions not stated): gnomAD 0.00001 and 0.00002; ExAC 0.00002; gnomAD exomes 0.00002; TOPMed 0.00002.

Submissions (2):

Labcorp Genetics (formerly Invitae), Labcorp
Classification: Uncertain significance. Last evaluated: 2025-06-16. Review status: criteria provided, single submitter. Criteria: Invitae Variant Classification Sherloc (09022015). Collection method: clinical testing. Allele origin: germline.
Comment: This sequence change replaces arginine, which is basic and polar, with cysteine, which is neutral and slightly polar, at codon 827 of the RNF31 protein (p.Arg827Cys). This variant is present in population databases (rs368660799, gnomAD 0.01%). This variant has not been reported in the literature in individuals affected with RNF31-related conditions. ClinVar contains an entry for this variant (Variation ID: 1447303). An algorithm developed to predict the effect of missense changes on protein structure and function (PolyPhen-2) suggests that this variant is likely to be disruptive. In summary, the available evidence is currently insufficient to determine the role of this variant in disease. Therefore, it has been classified as a Variant of Uncertain Significance.

Ambry Genetics
Classification: Uncertain significance. Last evaluated: 2024-09-02. Review status: criteria provided, single submitter. Criteria: Ambry Variant Classification Scheme 2023. Collection method: clinical testing. Allele origin: germline.

NM_017999.5(RNF31):c.2479C>T (p.Arg827Cys)

Gene: RNF31 (ring finger protein 31; plus strand). Cytogenetic location: 14q12.
Variant type: single nucleotide variant.
Coding change: c.2479C>T on transcript NM_017999.5 (MANE Select); coding-DNA position 2479, C replaced by T.
Protein change: p.Arg827Cys; replaces arginine 827 with cysteine.
Molecular consequence: missense variant.
Genome position (GRCh38, 1-based): chr14:24,155,678, C>T. VCF-style: chr14-24155678-C-T. GRCh37 (hg19) VCF-style: chr14-24624887-C-T.
Other names: c.2026C>T, p.Arg676Cys (NM_001310332.2); c.2479C>T (NM_017999.4); short protein forms R676C, R827C.
Identifiers: ClinVar variation 1447303 (VCV001447303.9), dbSNP rs368660799, ClinGen allele CA7126066.